The following is an entry in ClinVar:

NM_176824.3(BBS7):c.1102C>T (p.Gln368Ter)

Gene: BBS7 (Bardet-Biedl syndrome 7; minus strand). Cytogenetic location: 4q27.
Variant type: single nucleotide variant.
Coding change: c.1102C>T on transcript NM_176824.3 (MANE Select); coding-DNA position 1102, C replaced by T.
Protein change: p.Gln368Ter; replaces glutamine 368 with a stop codon.
Molecular consequence: nonsense.
Genome position (GRCh38, 1-based): chr4:121,845,632, G>A on the plus strand (C>T on the coding strand, the complement: BBS7 is on the minus strand). VCF-style: chr4-121845632-G-A. GRCh37 (hg19) VCF-style: chr4-122766787-G-A.
Other names: c.1102C>T (NM_176824.2); c.1102C>T, p.Gln368Ter (NM_018190.4); short protein forms Q368*.
Identifiers: ClinVar variation 3589798 (VCV003589798.2).
Genomic context (GRCh38, chr4:121,845,632, plus strand): 5'-TTAGTGTAAATTTATCATTTATACCAAAGGAAGGTACTGCTGATTTTGCTTTGCTTGATT[G>A]AGAAGACTGTTGATAATTCTCTCTTTCCTGCAATACCTTATACTGCAAATGTTCCAACTC-3'

ClinVar aggregate classification (germline): Pathogenic/Likely pathogenic. Review status: criteria provided, multiple submitters, no conflicts (2 of 4 stars). 2 submissions from 2 submitters: Pathogenic (1); Likely pathogenic (1). Last evaluated 2025-07-02.

Conditions:
Bardet-Biedl syndrome 7 (BBS7). Identifiers: Orphanet 110, MedGen C1859565, MONDO:0014435, OMIM 615984.
BBS7-related disorder. Also called: BBS7-related condition.

Submissions (2):

PreventionGenetics, part of Exact Sciences
Classification: Pathogenic for BBS7-related condition. Last evaluated: 2025-07-02. Review status: criteria provided, single submitter. Criteria: ACMG Guidelines, 2015. Collection method: clinical testing. Allele origin: germline.
Comment: The BBS7 c.1102C>T variant is predicted to result in premature protein termination (p.Gln368*). To our knowledge, this variant has not been reported in the literature or in a large population database, indicating this variant is rare. Nonsense variants in BBS7 are expected to be pathogenic. This variant is interpreted as pathogenic.

Fulgent Genetics
Classification: Likely pathogenic for Bardet-Biedl syndrome 7. Last evaluated: 2024-05-29. Review status: criteria provided, single submitter. Criteria: ACMG Guidelines, 2015. Collection method: clinical testing. Allele origin: germline.